The following is an entry in ClinVar:

ClinVar aggregate classification (germline): Uncertain significance. Review status: criteria provided, multiple submitters, no conflicts (2 of 4 stars). 2 submissions from 2 submitters: Uncertain significance (2). Last evaluated 2021-07-02.

Allele frequency attached by ClinVar (database versions not stated): TOPMed below 0.00001.

Submissions (2):

Blueprint Genetics
Classification: Uncertain significance. Last evaluated: 2021-07-02. Review status: criteria provided, single submitter. Criteria: ACMG Guidelines, 2015. Collection method: clinical testing. Allele origin: germline.

GeneDx
Classification: Uncertain significance. Last evaluated: 2020-10-05. Review status: criteria provided, single submitter. Criteria: GeneDx Variant Classification Process June 2021. Collection method: clinical testing. Allele origin: germline. Affected: yes.
Comment: Not observed in large population cohorts (Lek et al., 2016); In silico analysis, which includes protein predictors and evolutionary conservation, supports a deleterious effect; Has not been previously published as pathogenic or benign to our knowledge

NM_015272.5(RPGRIP1L):c.2489T>C (p.Ile830Thr)

Gene: RPGRIP1L (RPGRIP1 like; minus strand). Cytogenetic location: 16q12.2.
Variant type: single nucleotide variant.
Coding change: c.2489T>C on transcript NM_015272.5 (MANE Select); coding-DNA position 2489, T replaced by C.
Protein change: p.Ile830Thr; replaces isoleucine 830 with threonine.
Molecular consequence: missense variant.
Genome position (GRCh38, 1-based): chr16:53,645,819, A>G on the plus strand (T>C on the coding strand, the complement: RPGRIP1L is on the minus strand). VCF-style: chr16-53645819-A-G. GRCh37 (hg19) VCF-style: chr16-53679731-A-G.
Other names: c.2489T>C, p.Ile830Thr (NM_001127897.4, NM_001308334.3, NM_001330538.2); short protein forms I830T.
Identifiers: ClinVar variation 1304725 (VCV001304725.3), dbSNP rs1966505882, ClinGen allele CA395914509.
Genomic context (GRCh38, chr16:53,645,819, plus strand): 5'-ATATTCATTGGCACTGGGAAATACATATGATCATCAAACTGTGGATCATTGCTACTGGGA[A>G]TGATAGCTGTATCATGGTCTGCAAAATCAAAAAACTTGTACACAACATATGGGTGTGGCT-3'
Protein context (NP_056087.2, residues 820-840): FDFADHDTAI[Ile830Thr]PSSNDPQFDD